The following is an entry in ClinVar:

ClinVar aggregate classification (germline): Uncertain significance (1 of 4 stars; one submission).

Allele frequency attached by ClinVar (database versions not stated): gnomAD 0.00001; gnomAD exomes 0.00002; ExAC 0.00012.
gnomAD v4.1: 26 of 1,550,258 alleles (0.0017%); highest among the groups gnomAD compares: South Asian, 0.029%; no homozygotes.

Submission:

GeneDx
Classification: Uncertain significance. Last evaluated: 2022-10-11. Review status: criteria provided, single submitter. Criteria: GeneDx Variant Classification Process June 2021. Collection method: clinical testing. Allele origin: germline. Affected: yes.
Comment: In silico analysis supports that this missense variant has a deleterious effect on protein structure/function; Has not been previously published as pathogenic or benign to our knowledge

NM_014855.3(AP5Z1):c.1772A>G (p.Tyr591Cys)

Gene: AP5Z1 (adaptor related protein complex 5 subunit zeta 1; plus strand). Cytogenetic location: 7p22.1.
Variant type: single nucleotide variant.
Coding change: c.1772A>G on transcript NM_014855.3 (MANE Select); coding-DNA position 1772, A replaced by G.
Protein change: p.Tyr591Cys; replaces tyrosine 591 with cysteine.
Molecular consequence: missense variant. On other transcripts: non-coding transcript variant (1).
Genome position (GRCh38, 1-based): chr7:4,789,896, A>G. VCF-style: chr7-4789896-A-G. GRCh37 (hg19) VCF-style: chr7-4829527-A-G.
Other names: c.1304A>G, p.Tyr435Cys (NM_001364858.1); short protein forms Y435C, Y591C.
Identifiers: ClinVar variation 2499280 (VCV002499280.1), dbSNP rs747261565, ClinGen allele CA4138018.